The following is an entry in ClinVar:

NM_000077.5(CDKN2A):c.64del (p.Arg22fs)

Gene: CDKN2A (cyclin dependent kinase inhibitor 2A; minus strand). Cytogenetic location: 9p21.3.
Variant type: Deletion.
Coding change: c.64del on transcript NM_000077.5; coding-DNA position 64, one base deleted (C; older notation c.64delC).
Protein change: p.Arg22fs; shifts the reading frame from arginine 22.
Molecular consequence: frameshift variant (on NM_000077.6). On other transcripts: intron variant (2).
Genome position (GRCh38, 1-based): chr9:21,974,764, G deleted on the plus strand (C on the coding strand, the reverse complement: CDKN2A is on the minus strand); the first of 3 consecutive G bases (chr9:21,974,764-21,974,766); deleting any one gives the same sequence. VCF-style (leftmost placement, unchanged base first): chr9-21974763-CG-C. GRCh37 (hg19) VCF-style: chr9-21974762-CG-C.
Other names: c.62delC, p.Arg22Glyfs (NM_000077.6); c.64del, p.Arg22fs (NM_001195132.2, NM_058197.5); c.-3-3556del (NM_001363763.2); c.194-3556del (NM_058195.4); short protein forms R22fs.
Identifiers: ClinVar variation 3638796 (VCV003638796.2).
Genomic context (GRCh38, chr9:21,974,763, plus strand): 5'-TTCGGTGCGTTGGGCAGCGCCCCCGCCTCCAGCAGCGCCCGCACCTCCTCTACCCGACCC[CG>C]GGCCGCGGCCGTGGCCAGCCAGTCAGCCGAAGGCTCCATGCTGCTCCCCGCCGCCGGCTC-3'

ClinVar aggregate classification (germline): Pathogenic (1 of 4 stars; one submission).

Conditions:
Familial melanoma. Also called: Hereditary melanoma; Hereditary cutaneous melanoma. Identifiers: Orphanet 618, MedGen C1512419, MONDO:0018961.

Submission:

Labcorp Genetics (formerly Invitae), Labcorp
Classification: Pathogenic for Familial melanoma. Last evaluated: 2024-02-11. Review status: criteria provided, single submitter. Criteria: Invitae Variant Classification Sherloc (09022015). Collection method: clinical testing. Allele origin: germline.
Comment: This sequence change creates a premature translational stop signal (p.Arg22Glyfs*4) in the CDKN2A (p16INK4a) gene. It is expected to result in an absent or disrupted protein product. Loss-of-function variants in CDKN2A (p16INK4a) are known to be pathogenic (PMID: 15146471, 16905682). This variant is not present in population databases (gnomAD no frequency). This variant has not been reported in the literature in individuals affected with CDKN2A (p16INK4a)-related conditions. For these reasons, this variant has been classified as Pathogenic.

Literature cited by the submitters: PubMed 15146471; PubMed 16905682.